The following is an entry in ClinVar:

ClinVar aggregate classification (germline): Uncertain significance (1 of 4 stars; one submission).

Submission:

GeneDx
Classification: Uncertain significance. Last evaluated: 2018-05-09. Review status: criteria provided, single submitter. Criteria: GeneDx Variant Classification (06012015). Collection method: clinical testing. Allele origin: germline. Affected: yes.
Comment: The R3971Q variant in the HUWE1 gene has not been reported previously as a pathogenic variant, nor as a benign variant, to our knowledge. The R3971Q variant is not observed in large population cohorts (Lek et al., 2016). The R3971Q variant is a semi-conservative amino acid substitution, which may impact secondary protein structure as these residues differ in some properties. In-silico analyses, including protein predictors and evolutionary conservation, support a deleterious effect. We interpret R3971Q as a variant of uncertain significance.

NM_031407.7(HUWE1):c.11912G>A (p.Arg3971Gln)

Gene: HUWE1 (HECT, UBA and WWE domain containing E3 ubiquitin protein ligase 1; minus strand). Cytogenetic location: Xp11.22.
Variant type: single nucleotide variant.
Coding change: c.11912G>A on transcript NM_031407.7 (MANE Select); coding-DNA position 11912, G replaced by A.
Protein change: p.Arg3971Gln; replaces arginine 3971 with glutamine.
Molecular consequence: missense variant.
Genome position (GRCh38, 1-based): chrX:53,538,421, C>T on the plus strand (G>A on the coding strand, the complement: HUWE1 is on the minus strand). VCF-style: chrX-53538421-C-T. GRCh37 (hg19) VCF-style: chrX-53565382-C-T.
Other names: short protein forms R3971Q.
Identifiers: ClinVar variation 546178 (VCV000546178.2), dbSNP rs1556915088, ClinGen allele CA413157191.
Genomic context (GRCh38, chrX:53,538,421, plus strand): 5'-ACACGAATGTAGTCTACCAGGACAGCAAAAGGCCCATCAGCAAGGTGGGTCGTGGACTGC[C>T]GTAGGATCTGGTTTAACACAGTGCGGTGAGTCTCTGAGGGGAGAAGTGACAGCAGGAATT-3'
Protein context (NP_113584.3, residues 3961-3981): THRTVLNQIL[Arg3971Gln]QSTTHLADGP